The following is an entry in ClinVar:

ClinVar aggregate classification (germline): Conflicting classifications of pathogenicity. Review status: criteria provided, conflicting classifications (1 of 4 stars). 2 submissions from 2 submitters: Uncertain significance (1); Likely benign (1). Last evaluated 2023-04-21.

Conditions:
Hyperaldosteronism, familial, type IV (HALD4). Also called: FH IV; ALDOSTERONISM, PRIMARY, AND HYPERTENSION. Identifiers: Orphanet 642671, MedGen C4310756, MONDO:0014875, OMIM 617027.
Idiopathic generalized epilepsy. Also called: EIG; Generalised epilepsy. Identifiers: MedGen C0270850, MONDO:0005579, OMIM 600669.

Allele frequency attached by ClinVar (database versions not stated): gnomAD exomes below 0.00001; gnomAD 0.00001; TOPMed 0.00001.
gnomAD v4.1: 7 of 1,610,734 alleles (0.00043%); highest among the groups gnomAD compares: Non-Finnish European, 0.00059%; no homozygotes.

Submissions (2):

Blueprint Genetics
Classification: Likely benign. Last evaluated: 2023-04-21. Review status: criteria provided, single submitter. Criteria: ACMG Guidelines, 2015. Collection method: clinical testing. Allele origin: germline.

Labcorp Genetics (formerly Invitae), Labcorp
Classification: Uncertain significance for Idiopathic generalized epilepsy; Hyperaldosteronism, familial, type IV. Last evaluated: 2022-09-01. Review status: criteria provided, single submitter. Criteria: Invitae Variant Classification Sherloc (09022015). Collection method: clinical testing. Allele origin: germline.
Comment: This sequence change replaces asparagine, which is neutral and polar, with aspartic acid, which is acidic and polar, at codon 1640 of the CACNA1H protein (p.Asn1640Asp). This variant is present in population databases (no rsID available, gnomAD 0.0009%). In summary, the available evidence is currently insufficient to determine the role of this variant in disease. Therefore, it has been classified as a Variant of Uncertain Significance. Advanced modeling of protein sequence and biophysical properties (such as structural, functional, and spatial information, amino acid conservation, physicochemical variation, residue mobility, and thermodynamic stability) performed at Invitae indicates that this missense variant is not expected to disrupt CACNA1H protein function. ClinVar contains an entry for this variant (Variation ID: 1391118). This variant has not been reported in the literature in individuals affected with CACNA1H-related conditions.

NM_021098.3(CACNA1H):c.4918A>G (p.Asn1640Asp)

Gene: CACNA1H (calcium voltage-gated channel subunit alpha1 H; plus strand). Cytogenetic location: 16p13.3.
Variant type: single nucleotide variant.
Coding change: c.4918A>G on transcript NM_021098.3 (MANE Select); coding-DNA position 4918, A replaced by G.
Protein change: p.Asn1640Asp; replaces asparagine 1640 with aspartic acid.
Molecular consequence: missense variant.
Genome position (GRCh38, 1-based): chr16:1,213,920, A>G. VCF-style: chr16-1213920-A-G. GRCh37 (hg19) VCF-style: chr16-1263920-A-G.
Other names: c.4900A>G, p.Asn1634Asp (NM_001005407.2); short protein forms N1634D, N1640D.
Identifiers: ClinVar variation 1391118 (VCV001391118.7), dbSNP rs1217478571, ClinGen allele CA394145723.